The following is an entry in ClinVar:

ClinVar aggregate classification (germline): Likely pathogenic. Review status: criteria provided, multiple submitters, no conflicts (2 of 4 stars). 2 submissions from 2 submitters: Likely pathogenic (2). Last evaluated 2023-09-11.

Conditions:
Merosin deficient congenital muscular dystrophy (MDC1A). Also called: Congenital Muscular Dystrophy Type 1A (MDC1A); Congenital merosin-deficient muscular dystrophy 1A. Identifiers: Orphanet 258, MedGen C1263858, MONDO:0011925, OMIM 607855.

Submissions (2):

Baylor Genetics
Classification: Likely pathogenic for Merosin deficient congenital muscular dystrophy. Last evaluated: 2023-09-11. Review status: criteria provided, single submitter. Criteria: ACMG Guidelines, 2015. Collection method: clinical testing. Allele origin: unknown.

GeneDx
Classification: Likely pathogenic. Last evaluated: 2022-07-13. Review status: criteria provided, single submitter. Criteria: GeneDx Variant Classification Process June 2021. Collection method: clinical testing. Allele origin: germline. Affected: yes.
Comment: Canonical splice site variant expected to result in aberrant splicing, although in the absence of functional evidence the actual effect of this sequence change is unknown.; Not observed at significant frequency in large population cohorts (gnomAD); Deletions involving coding exons of this gene are a known mechanism of disease (HGMD); Has not been previously published as pathogenic or benign to our knowledge

NM_000426.4(LAMA2):c.7749+1G>C

Gene: LAMA2 (laminin subunit alpha 2; plus strand). Cytogenetic location: 6q22.33.
Variant type: single nucleotide variant.
Coding change: c.7749+1G>C on transcript NM_000426.4 (MANE Select); the canonical splice donor site of the intron after coding-DNA position 7749, G replaced by C.
Molecular consequence: splice donor variant.
Genome position (GRCh38, 1-based): chr6:129,481,440, G>C. VCF-style: chr6-129481440-G-C. GRCh37 (hg19) VCF-style: chr6-129802585-G-C.
Other names: c.7737+1G>C (NM_001079823.2).
Identifiers: ClinVar variation 1878911 (VCV001878911.2), dbSNP rs2533478288, ClinGen allele CA365628477.